The following is an entry in ClinVar:

NM_020975.6(RET):c.1268G>A (p.Gly423Glu)

Gene: RET (ret proto-oncogene; plus strand). Cytogenetic location: 10q11.21.
Variant type: single nucleotide variant.
Coding change: c.1268G>A on transcript NM_020975.6 (MANE Select); coding-DNA position 1268, G replaced by A.
Protein change: p.Gly423Glu; replaces glycine 423 with glutamic acid.
Molecular consequence: missense variant. On other transcripts: intron variant (15).
Genome position (GRCh38, 1-based): chr10:43,111,211, G>A. VCF-style: chr10-43111211-G-A. GRCh37 (hg19) VCF-style: chr10-43606659-G-A.
Other names: c.1268G>A, p.Gly423Glu (NM_000323.2, NM_001406743.1, NM_001406744.1 and 6 more transcripts); c.506G>A, p.Gly169Glu (NM_001355216.2); c.1139G>A, p.Gly380Glu (NM_001406761.1, NM_001406762.1, NM_001406764.1 and 1 more transcripts); c.980G>A, p.Gly327Glu (NM_001406766.1, NM_001406767.1, NM_001406770.1); c.872G>A, p.Gly291Glu (NM_001406769.1, NM_001406772.1); c.830G>A, p.Gly277Glu (NM_001406771.1, NM_001406773.1); c.743G>A, p.Gly248Glu (NM_001406774.1); c.542G>A, p.Gly181Glu (NM_001406775.1, NM_001406776.1, NM_001406777.1 and 1 more transcripts); and 5 more; short protein forms G169E, G181E, G93E, G277E, G327E, G248E, G423E, G291E.
Identifiers: ClinVar variation 2568323 (VCV002568323.4), dbSNP rs2132765668, ClinGen allele CA376548827.

ClinVar aggregate classification (germline): Uncertain significance. Review status: criteria provided, multiple submitters, no conflicts (2 of 4 stars). 2 submissions from 2 submitters: Uncertain significance (2). Last evaluated 2025-07-31.

Conditions:
Multiple endocrine neoplasia, type 2 (MEN2). Identifiers: Orphanet 653, MedGen C4048306, MONDO:0019003. Disease mechanism: gain of function.
Hereditary cancer-predisposing syndrome. Also called: Hereditary neoplastic syndrome; Hereditary Cancer Syndrome; Neoplastic Syndromes, Hereditary; Tumor predisposition. Identifiers: Orphanet 140162, MedGen C0027672, MeSH D009386, MONDO:0015356.

Submissions (2):

Labcorp Genetics (formerly Invitae), Labcorp
Classification: Uncertain significance for Multiple endocrine neoplasia, type 2. Last evaluated: 2025-07-31. Review status: criteria provided, single submitter. Criteria: Invitae Variant Classification Sherloc (09022015). Collection method: clinical testing. Allele origin: germline.
Comment: This sequence change replaces glycine, which is neutral and non-polar, with glutamic acid, which is acidic and polar, at codon 423 of the RET protein (p.Gly423Glu). This variant is not present in population databases (gnomAD no frequency). This variant has not been reported in the literature in individuals affected with RET-related conditions. ClinVar contains an entry for this variant (Variation ID: 2568323). An algorithm developed to predict the effect of missense changes on protein structure and function (PolyPhen-2) suggests that this variant is likely to be disruptive. In summary, the available evidence is currently insufficient to determine the role of this variant in disease. Therefore, it has been classified as a Variant of Uncertain Significance.

Ambry Genetics
Classification: Uncertain significance for Hereditary cancer-predisposing syndrome. Last evaluated: 2023-03-16. Review status: criteria provided, single submitter. Criteria: Ambry Variant Classification Scheme 2023. Collection method: clinical testing. Allele origin: germline.
Comment: The p.G423E variant (also known as c.1268G>A), located in coding exon 7 of the RET gene, results from a G to A substitution at nucleotide position 1268. The glycine at codon 423 is replaced by glutamic acid, an amino acid with similar properties. This amino acid position is conserved. In addition, the in silico prediction for this alteration is inconclusive. Since supporting evidence is limited at this time, the clinical significance of this alteration remains unclear.